The following is an entry in ClinVar:

NM_052867.4(NALCN):c.161G>C (p.Cys54Ser)

Gene: NALCN (sodium leak channel, non-selective; minus strand). Cytogenetic location: 13q33.1.
Variant type: single nucleotide variant.
Coding change: c.161G>C on transcript NM_052867.4 (MANE Select); coding-DNA position 161, G replaced by C.
Protein change: p.Cys54Ser; replaces cysteine 54 with serine.
Molecular consequence: missense variant.
Genome position (GRCh38, 1-based): chr13:101,395,313, C>G on the plus strand (G>C on the coding strand, the complement: NALCN is on the minus strand). VCF-style: chr13-101395313-C-G. GRCh37 (hg19) VCF-style: chr13-102047664-C-G.
Other names: c.161G>C, p.Cys54Ser (NM_001350748.2, NM_001350749.2, NM_001350750.2 and 1 more transcripts); c.161G>C (NM_052867.2); short protein forms C54S.
Identifiers: ClinVar variation 2081569 (VCV002081569.5), dbSNP rs1459406033, ClinGen allele CA388707064.

ClinVar aggregate classification (germline): Uncertain significance. Review status: criteria provided, multiple submitters, no conflicts (2 of 4 stars). 2 submissions from 2 submitters: Uncertain significance (2). Last evaluated 2025-11-12.

Allele frequency attached by ClinVar (database versions not stated): TOPMed below 0.00001; gnomAD exomes 0.00001.
gnomAD v4.1: 3 of 1,614,038 alleles (0.00019%); highest among the groups gnomAD compares: Admixed American, 0.005%; no homozygotes.

Submissions (2):

GeneDx
Classification: Uncertain significance. Last evaluated: 2025-11-12. Review status: criteria provided, single submitter. Criteria: GeneDx Variant Classification Process June 2021. Collection method: clinical testing. Allele origin: germline.
Comment: In silico analysis supports that this missense variant has a deleterious effect on protein structure/function; Has not been previously published as pathogenic or benign to our knowledge

Labcorp Genetics (formerly Invitae), Labcorp
Classification: Uncertain significance. Last evaluated: 2022-08-16. Review status: criteria provided, single submitter. Criteria: Invitae Variant Classification Sherloc (09022015). Collection method: clinical testing. Allele origin: germline.
Comment: This sequence change replaces cysteine, which is neutral and slightly polar, with serine, which is neutral and polar, at codon 54 of the NALCN protein (p.Cys54Ser). This variant is present in population databases (no rsID available, gnomAD 0.009%). This variant has not been reported in the literature in individuals affected with NALCN-related conditions. Advanced modeling of protein sequence and biophysical properties (such as structural, functional, and spatial information, amino acid conservation, physicochemical variation, residue mobility, and thermodynamic stability) performed at Invitae indicates that this missense variant is not expected to disrupt NALCN protein function. In summary, the available evidence is currently insufficient to determine the role of this variant in disease. Therefore, it has been classified as a Variant of Uncertain Significance.